The following is an entry in ClinVar:

NM_018669.6(WDR4):c.1071C>A (p.Phe357Leu)

Gene: WDR4 (WDR4 tRNA N7-guanosine methyltransferase non-catalytic subunit; minus strand). Cytogenetic location: 21q22.3.
Variant type: single nucleotide variant.
Coding change: c.1071C>A on transcript NM_018669.6 (MANE Select); coding-DNA position 1071, C replaced by A.
Protein change: p.Phe357Leu; replaces phenylalanine 357 with leucine.
Molecular consequence: missense variant. On other transcripts: non-coding transcript variant (1).
Genome position (GRCh38, 1-based): chr21:42,850,217, G>T on the plus strand (C>A on the coding strand, the complement: WDR4 is on the minus strand). VCF-style: chr21-42850217-G-T. GRCh37 (hg19) VCF-style: chr21-44270327-G-T.
Other names: c.1068C>A, p.Phe356Leu (NM_001260474.2); c.633C>A, p.Phe211Leu (NM_001260475.2, NM_001260476.2, NM_001260477.2 and 1 more transcripts); c.1071C>A, p.Phe357Leu (NM_033661.5); c.1071C>A (NM_018669.4); short protein forms F211L, F356L, F357L.
Identifiers: ClinVar variation 3040371 (VCV003040371.3), dbSNP rs137984597, ClinGen allele CA10045799.

ClinVar aggregate classification (germline): Uncertain significance. Review status: criteria provided, single submitter (1 of 4 stars). 2 submissions from 2 submitters: Uncertain significance (1). 1 of the submissions does not count toward it. Last evaluated 2023-12-17.

Conditions:
Inborn genetic diseases. Identifiers: MedGen C0950123, MeSH D030342.
WDR4-related disorder. Also called: WDR4-related condition; WDR4-Related Disorders.

Allele frequency attached by ClinVar (database versions not stated): TOPMed 0.00010; gnomAD 0.00011; ExAC 0.00014; gnomAD exomes 0.00021; ESP Exome Variant Server 0.00031.

Submissions (2):

Ambry Genetics
Classification: Uncertain significance for Inborn genetic diseases. Last evaluated: 2023-12-17. Review status: criteria provided, single submitter. Criteria: Ambry Variant Classification Scheme 2023. Collection method: clinical testing. Allele origin: germline.

PreventionGenetics, part of Exact Sciences
Classification: Uncertain significance for WDR4-related condition. Last evaluated: 2024-01-09. Review status: no assertion criteria provided. Collection method: clinical testing. Allele origin: germline. Not counted in ClinVar's aggregate classification.
Comment: The WDR4 c.1071C>A variant is predicted to result in the amino acid substitution p.Phe357Leu. To our knowledge, this variant has not been reported in the literature. This variant is reported in 0.024% of alleles in individuals of European (Non-Finnish) descent in gnomAD. At this time, the clinical significance of this variant is uncertain due to the absence of conclusive functional and genetic evidence.